The following is an entry in ClinVar:

ClinVar aggregate classification (germline): Uncertain significance (1 of 4 stars; one submission).

Conditions:
Fanconi anemia (FA). Also called: Fanconi's anemia. Identifiers: Orphanet 84, MedGen C0015625, MeSH D005199, MONDO:0019391.

Submission:

Labcorp Genetics (formerly Invitae), Labcorp
Classification: Uncertain significance for Fanconi anemia. Last evaluated: 2021-11-17. Review status: criteria provided, single submitter. Criteria: Invitae Variant Classification Sherloc (09022015). Collection method: clinical testing. Allele origin: germline.
Comment: In summary, the available evidence is currently insufficient to determine the role of this variant in disease. Therefore, it has been classified as a Variant of Uncertain Significance. Algorithms developed to predict the effect of missense changes on protein structure and function are either unavailable or do not agree on the potential impact of this missense change (SIFT: "Deleterious"; PolyPhen-2: "Possibly Damaging"; Align-GVGD: "Class C0"). This variant has not been reported in the literature in individuals affected with FANCD2-related conditions. This variant is not present in population databases (gnomAD no frequency). This sequence change replaces aspartic acid, which is acidic and polar, with asparagine, which is neutral and polar, at codon 191 of the FANCD2 protein (p.Asp191Asn).

NM_001018115.3(FANCD2):c.571G>A (p.Asp191Asn)

Genes: FANCD2 (FA complementation group D2; plus strand), LOC107303338 (3p25 FANCD2 Alu-mediated recombination region; plus strand). Cytogenetic location: 3p25.3.
Variant type: single nucleotide variant.
Coding change: c.571G>A on transcript NM_001018115.3 (MANE Select); coding-DNA position 571, G replaced by A.
Protein change: p.Asp191Asn; replaces aspartic acid 191 with asparagine.
Molecular consequence: missense variant.
Genome position (GRCh38, 1-based): chr3:10,039,721, G>A. VCF-style: chr3-10039721-G-A. GRCh37 (hg19) VCF-style: chr3-10081405-G-A.
Other names: c.571G>A, p.Asp191Asn (NM_001319984.2, NM_001374253.1, NM_001374254.1 and 2 more transcripts); short protein forms D191N.
Identifiers: ClinVar variation 1402512 (VCV001402512.6), dbSNP rs1257501671, ClinGen allele CA351724957.